The following is an entry in ClinVar:

NM_001374736.1(DST):c.1822A>G (p.Ser608Gly)

Gene: DST (dystonin; minus strand). Cytogenetic location: 6p12.1.
Variant type: single nucleotide variant.
Coding change: c.1822A>G on transcript NM_001374736.1 (MANE Select); coding-DNA position 1822, A replaced by G.
Protein change: p.Ser608Gly; replaces serine 608 with glycine.
Molecular consequence: missense variant.
Genome position (GRCh38, 1-based): chr6:56,642,460, T>C on the plus strand (A>G on the coding strand, the complement: DST is on the minus strand). VCF-style: chr6-56642460-T-C. GRCh37 (hg19) VCF-style: chr6-56507258-T-C.
Other names: c.1723A>G, p.Ser575Gly (NM_001144769.5); c.1309A>G, p.Ser437Gly (NM_001144770.2); c.1822A>G, p.Ser608Gly (NM_001374722.1); c.1189A>G, p.Ser397Gly (NM_001374729.1, NM_001374730.1, NM_001386100.1 and 1 more transcripts); c.1849A>G, p.Ser617Gly (NM_001374734.1); c.211A>G, p.Ser71Gly (NM_001723.7, NM_015548.5); short protein forms S437G, S608G, S617G, S397G, S575G, S71G.
Identifiers: ClinVar variation 1778814 (VCV001778814.2), dbSNP rs1373255277, ClinGen allele CA364615280.

ClinVar aggregate classification (germline): Uncertain significance (1 of 4 stars; one submission).

Conditions:
Inborn genetic diseases. Identifiers: MedGen C0950123, MeSH D030342.

Allele frequency attached by ClinVar (database versions not stated): gnomAD exomes below 0.00001; TOPMed 0.00001; gnomAD 0.00003.
gnomAD v4.1: 5 of 1,613,702 alleles (0.00031%); highest among the groups gnomAD compares: African/African-American, 0.0067%; no homozygotes.

Submission:

Ambry Genetics
Classification: Uncertain significance for Inborn genetic diseases. Last evaluated: 2021-03-05. Review status: criteria provided, single submitter. Criteria: Ambry Variant Classification Scheme 2023. Collection method: clinical testing. Allele origin: germline.
Comment: The p.S575G variant (also known as c.1723A>G), located in coding exon 15 of the DST gene, results from an A to G substitution at nucleotide position 1723. The serine at codon 575 is replaced by glycine, an amino acid with similar properties. This amino acid position is not well conserved in available vertebrate species. In addition, the in silico prediction for this alteration is inconclusive. Since supporting evidence is limited at this time, the clinical significance of this alteration remains unclear.